The following is an entry in ClinVar:

ClinVar aggregate classification (germline): Uncertain significance (1 of 4 stars; one submission).

Conditions:
Inborn genetic diseases. Identifiers: MedGen C0950123, MeSH D030342.

Submission:

Ambry Genetics
Classification: Uncertain significance for Inborn genetic diseases. Last evaluated: 2023-06-24. Review status: criteria provided, single submitter. Criteria: Ambry Variant Classification Scheme 2023. Collection method: clinical testing. Allele origin: germline.
Comment: The p.D575H variant (also known as c.1723G>C), located in coding exon 15 of the LRRK2 gene, results from a G to C substitution at nucleotide position 1723. The aspartic acid at codon 575 is replaced by histidine, an amino acid with similar properties. This amino acid position is conserved. In addition, this alteration is predicted to be tolerated by in silico analysis. Since supporting evidence is limited at this time, the clinical significance of this alteration remains unclear.

NM_198578.4(LRRK2):c.1723G>C (p.Asp575His)

Gene: LRRK2 (leucine rich repeat kinase 2; plus strand). Cytogenetic location: 12q12.
Variant type: single nucleotide variant.
Coding change: c.1723G>C on transcript NM_198578.4 (MANE Select); coding-DNA position 1723, G replaced by C.
Protein change: p.Asp575His; replaces aspartic acid 575 with histidine.
Molecular consequence: missense variant.
Genome position (GRCh38, 1-based): chr12:40,274,649, G>C. VCF-style: chr12-40274649-G-C. GRCh37 (hg19) VCF-style: chr12-40668451-G-C.
Other names: short protein forms D575H.
Identifiers: ClinVar variation 2587239 (VCV002587239.2), dbSNP rs2499622986, ClinGen allele CA384403000.